The following is an entry in ClinVar:

ClinVar aggregate classification (germline): drug response. Review status: practice guideline (4 of 4 stars). 7 submissions from 6 submitters: drug response (1). 6 of the submissions do not count toward it.

Conditions:
Acute coronary syndrome. Identifiers: MedGen C0948089, MeSH D054058, MONDO:0005542, HP:0033678.
Clopidogrel response. Also called: Plavix response. Identifiers: MedGen CN077970.
MEPHENYTOIN, POOR METABOLISM OF. Identifiers: MedGen C1836024, OMIM 609535.
PROGUANIL, POOR METABOLISM OF. Identifiers: MedGen C1836026, OMIM 609535.
CYP2C19: no function.

Allele frequency attached by ClinVar (database versions not stated): gnomAD 0.00149 and 0.00251; TOPMed 0.00267; gnomAD exomes 0.00538; ExAC 0.00551; 1000 Genomes Project 30x 0.01312; 1000 Genomes Project 0.01418.
gnomAD v4.1: 4,750 of 1,613,588 alleles (0.29%); highest among the groups gnomAD compares: East Asian, 8.9%; 214 homozygotes.

Submissions (7):

Clinical Pharmacogenetics Implementation Consortium
Classification: drug response for CYP2C19: no function. Review status: practice guideline. Criteria: Clinical Pharmacogenetics Implementation Consortium. Collection method: curation. Allele origin: germline.

GeneDx
Classification: Benign. Last evaluated: 2018-08-06. Review status: criteria provided, single submitter. Criteria: GeneDx Variant Classification Process June 2021. Collection method: clinical testing. Allele origin: germline. Affected: yes. Not counted in ClinVar's aggregate classification.
Comment: This variant is associated with the following publications: (PMID: 22865819, 20549256, 21855977, 22344438, 25087612, 25525159, 23874401, 7969038, 24906606)

Eurofins Ntd Llc (ga)
Classification: other. Last evaluated: 2015-12-28. Review status: criteria provided, single submitter. Criteria: EGL Classification Definitions 2015. Collection method: clinical testing. Allele origin: germline. Observed: 5 variant alleles, 5 heterozygotes. Not counted in ClinVar's aggregate classification.

OMIM
Classification: drug response for MEPHENYTOIN, POOR METABOLISM OF. Last evaluated: 2009-06-01. Review status: no assertion criteria provided. Collection method: literature only. Allele origin: germline. Not counted in ClinVar's aggregate classification.

OMIM
Classification: drug response for PROGUANIL, POOR METABOLISM OF. Last evaluated: 2009-06-01. Review status: no assertion criteria provided. Collection method: literature only. Allele origin: germline. Not counted in ClinVar's aggregate classification.

Cardiology Department, The First Affiliated Hospital of Nanjing Medical University
Classification: drug response for Acute coronary syndrome. Review status: no assertion criteria provided. Collection method: research. Allele origin: biparental. Observed: 8 variant alleles. Not counted in ClinVar's aggregate classification.

Faculty of Pharmacy, Damascus University
Classification: drug response for Clopidogrel Response. Review status: no assertion criteria provided. Collection method: research. Allele origin: germline. Affected: yes. Not counted in ClinVar's aggregate classification.
Comment: rs4986893 is a SNP in the CYP2C19 gene and is linked to poor clopidogrel metabolic activation. rs4986893 is associated with reduced enzyme activity of CYP2C19 and lower concentration of clopidogrel active metabolite.

Literature cited by the submitters: PubMed 7969038 (cited by OMIM); PubMed 9093256 (cited by OMIM); PubMed 19444287 (cited by OMIM); PubMed 27441996 (cited by Cardiology Department, The First Affiliated Hospital of Nanjing Medical University).

NM_000769.1(CYP2C19):c.636G>A (p.Trp212Ter)

Gene: CYP2C19 (cytochrome P450 family 2 subfamily C member 19; plus strand). Cytogenetic location: 10q23.33.
Variant type: single nucleotide variant.
Coding change: c.636G>A on transcript NM_000769.1; coding-DNA position 636, G replaced by A.
Protein change: p.Trp212Ter; replaces tryptophan 212 with a stop codon.
Molecular consequence: nonsense (on NM_000769.4).
Genome position (GRCh38, 1-based): chr10:94,780,653, G>A. VCF-style: chr10-94780653-G-A. GRCh37 (hg19) VCF-style: chr10-96540410-G-A.
Other names: CYP2C19, TRP212TER (rs4986893); CYP2C19m2; CYP2C19*3; c.636G>A, p.Trp212Ter (NM_000769.4); c.636G>A (NM_000769.2); short protein forms W212*.
Identifiers: ClinVar variation 16899 (VCV000016899.15), dbSNP rs4986893, ClinGen allele CA126963.